The following is an entry in ClinVar:

NM_033026.6(PCLO):c.8131G>A (p.Glu2711Lys)

Gene: PCLO (piccolo presynaptic cytomatrix protein; minus strand). Cytogenetic location: 7q21.11.
Variant type: single nucleotide variant.
Coding change: c.8131G>A on transcript NM_033026.6 (MANE Select); coding-DNA position 8131, G replaced by A.
Protein change: p.Glu2711Lys; replaces glutamic acid 2711 with lysine.
Molecular consequence: missense variant.
Genome position (GRCh38, 1-based): chr7:82,952,822, C>T on the plus strand (G>A on the coding strand, the complement: PCLO is on the minus strand). VCF-style: chr7-82952822-C-T. GRCh37 (hg19) VCF-style: chr7-82582138-C-T.
Other names: c.8131G>A, p.Glu2711Lys (NM_014510.3); short protein forms E2711K.
Identifiers: ClinVar variation 1512478 (VCV001512478.7), dbSNP rs368487860, ClinGen allele CA4320178.

ClinVar aggregate classification (germline): Uncertain significance. Review status: criteria provided, multiple submitters, no conflicts (2 of 4 stars). 2 submissions from 2 submitters: Uncertain significance (2). Last evaluated 2021-11-14.

Allele frequency attached by ClinVar (database versions not stated): gnomAD exomes 0.00001; ExAC 0.00001; gnomAD 0.00002; TOPMed 0.00002; ESP Exome Variant Server 0.00008.
gnomAD v4.1: 15 of 1,613,670 alleles (0.00093%); highest among the groups gnomAD compares: Middle Eastern, 0.016%; no homozygotes.

Submissions (2):

Labcorp Genetics (formerly Invitae), Labcorp
Classification: Uncertain significance. Last evaluated: 2021-11-14. Review status: criteria provided, single submitter. Criteria: Invitae Variant Classification Sherloc (09022015). Collection method: clinical testing. Allele origin: germline.
Comment: This sequence change replaces glutamic acid, which is acidic and polar, with lysine, which is basic and polar, at codon 2711 of the PCLO protein (p.Glu2711Lys). This variant is present in population databases (rs368487860, gnomAD 0.002%). This variant has not been reported in the literature in individuals affected with PCLO-related conditions. Algorithms developed to predict the effect of missense changes on protein structure and function are either unavailable or do not agree on the potential impact of this missense change (SIFT: "Deleterious"; PolyPhen-2: "Not Available"; Align-GVGD: "Class C0"). In summary, the available evidence is currently insufficient to determine the role of this variant in disease. Therefore, it has been classified as a Variant of Uncertain Significance.

Breakthrough Genomics
Classification: Uncertain significance. Review status: criteria provided, single submitter. Criteria: ACMG Guidelines, 2015. Collection method: not provided. Allele origin: germline. Inheritance: Autosomal recessive inheritance. Affected: yes.